The following is an entry in ClinVar:

ClinVar aggregate classification (germline): Likely benign (1 of 4 stars; one submission).

Submission:

CeGaT Center for Human Genetics Tuebingen
Classification: Likely benign. Last evaluated: 2025-08-01. Review status: criteria provided, single submitter. Criteria: CeGaT Center For Human Genetics Tuebingen Variant Classification Criteria Version 2. Collection method: clinical testing. Allele origin: germline. Affected: yes. Observed: 1 variant allele.
Comment: BLM: PM2:Supporting, BP4, BP7

NM_000057.4(BLM):c.1890A>G (p.Ser630=)

Gene: BLM (BLM RecQ like helicase; plus strand). Cytogenetic location: 15q26.1.
Variant type: single nucleotide variant.
Coding change: c.1890A>G on transcript NM_000057.4 (MANE Select); coding-DNA position 1890, A replaced by G.
Protein change: p.Ser630=; no amino-acid change (serine 630 retained).
Molecular consequence: synonymous variant.
Genome position (GRCh38, 1-based): chr15:90,762,973, A>G. VCF-style: chr15-90762973-A-G. GRCh37 (hg19) VCF-style: chr15-91306203-A-G.
Other names: c.1890A>G, p.Ser630= (NM_001287246.2, NM_001287247.2); c.765A>G, p.Ser255= (NM_001287248.2).
Identifiers: ClinVar variation 4085761 (VCV004085761.8).
Genomic context (GRCh38, chr15:90,762,973, plus strand): 5'-TACTTTCACTGTATTCATGTACTGATTTTTCTTAACGTTGATTATTTTCCTAGACAAGTC[A>G]GCACAAAATTTAGCATCCAGAAATCTGAAACATGAGCGTTTCCAAAGTCTTAGTTTTCCT-3'
Protein context (NP_000048.1, residues 620-640): SESIQNYTDK[Ser630=]AQNLASRNLK